The following is an entry in ClinVar:

NM_000138.5(FBN1):c.1136T>G (p.Ile379Ser)

Genes: FBN1 (fibrillin 1; minus strand), LOC113939944 (Sharpr-MPRA regulatory region 9539; plus strand). Cytogenetic location: 15q21.1.
Variant type: single nucleotide variant.
Coding change: c.1136T>G on transcript NM_000138.5 (MANE Select); coding-DNA position 1136, T replaced by G.
Protein change: p.Ile379Ser; replaces isoleucine 379 with serine.
Molecular consequence: missense variant.
Genome position (GRCh38, 1-based): chr15:48,520,670, A>C on the plus strand (T>G on the coding strand, the complement: FBN1 is on the minus strand). VCF-style: chr15-48520670-A-C. GRCh37 (hg19) VCF-style: chr15-48812867-A-C.
Other names: c.1136T>G, p.Ile379Ser (NM_001406716.1); short protein forms I379S.
Identifiers: ClinVar variation 3902317 (VCV003902317.2).

ClinVar aggregate classification (germline): Uncertain significance. Review status: criteria provided, multiple submitters, no conflicts (2 of 4 stars). 2 submissions from 2 submitters: Uncertain significance (2). Last evaluated 2025-10-10.

Conditions:
Marfan syndrome (MFS). Also called: MARFAN SYNDROME, TYPE I; Marfan syndrome type 1; Marfan's syndrome; Marfan syndrome, classic; FBN1-Related Marfan Syndrome. Identifiers: Orphanet 284963, Orphanet 558, MedGen C0024796, MONDO:0007947, OMIM 154700.
Familial thoracic aortic aneurysm and aortic dissection (TAAD). Also called: Thoracic aortic aneurysms and dissections. Identifiers: Orphanet 91387, MedGen C4707243, MONDO:0019625.

gnomAD v4.1: 1 of 1,613,972 alleles (0.000062%); highest among the groups gnomAD compares: Non-Finnish European, 0.000085%; no homozygotes.

Submissions (2):

Labcorp Genetics (formerly Invitae), Labcorp
Classification: Uncertain significance for Marfan syndrome; Familial thoracic aortic aneurysm and aortic dissection. Last evaluated: 2025-10-10. Review status: criteria provided, single submitter. Criteria: Invitae Variant Classification Sherloc (09022015). Collection method: clinical testing. Allele origin: germline.
Comment: This sequence change replaces isoleucine, which is neutral and non-polar, with serine, which is neutral and polar, at codon 379 of the FBN1 protein (p.Ile379Ser). This variant is not present in population databases (gnomAD no frequency). This missense change has been observed in individual(s) with aortic root aneurysm (internal data). ClinVar contains an entry for this variant (Variation ID: 3902317). Invitae Evidence Modeling of protein sequence and biophysical properties (such as structural, functional, and spatial information, amino acid conservation, physicochemical variation, residue mobility, and thermodynamic stability) indicates that this missense variant is expected to disrupt FBN1 protein function with a positive predictive value of 95%. In summary, the available evidence is currently insufficient to determine the role of this variant in disease. Therefore, it has been classified as a Variant of Uncertain Significance.

Women's Health and Genetics/Laboratory Corporation of America, LabCorp
Classification: Uncertain significance. Last evaluated: 2025-05-12. Review status: criteria provided, single submitter. Criteria: LabCorp Variant Classification Summary - May 2015. Collection method: clinical testing. Allele origin: germline.
Comment: Variant summary: FBN1 c.1136T>G (p.Ile379Ser) results in a non-conservative amino acid change in the encoded protein sequence. Algorithms developed to predict the effect of missense changes on protein structure and function all suggest that this variant is likely to be disruptive. The variant allele was found at a frequency of 6.2e-07 in 1606978 control chromosomes. The available data on variant occurrences in the general population are insufficient to allow any conclusion about variant significance. To our knowledge, no occurrence of c.1136T>G in individuals affected with Aortopathy and no experimental evidence demonstrating its impact on protein function have been reported. No submitters have cited clinical-significance assessments for this variant to ClinVar. Based on the evidence outlined above, the variant was classified as uncertain significance.